The following is an entry in ClinVar:

NM_206933.4(USH2A):c.13622A>C (p.Gln4541Pro)

Gene: USH2A (usherin; minus strand). Cytogenetic location: 1q41.
Variant type: single nucleotide variant.
Coding change: c.13622A>C on transcript NM_206933.4 (MANE Select); coding-DNA position 13622, A replaced by C.
Protein change: p.Gln4541Pro; replaces glutamine 4541 with proline.
Molecular consequence: missense variant.
Genome position (GRCh38, 1-based): chr1:215,674,289, T>G on the plus strand (A>C on the coding strand, the complement: USH2A is on the minus strand). VCF-style: chr1-215674289-T-G. GRCh37 (hg19) VCF-style: chr1-215847631-T-G.
Other names: short protein forms Q4541P.
Identifiers: ClinVar variation 48420 (VCV000048420.11), dbSNP rs143032902, ClinGen allele CA143322.
Genomic context (GRCh38, chr1:215,674,289, plus strand): 5'-TCACCATTTGTTCTCACTGGAGGGTCCCAGTTCACTAAGATCTCCTGAGGACCCCTGGCC[T>G]GCAATTTTGGAGGTTCCATCCCTGAGGGTGCTGAGGGGCTGGTTCGATCTTTGACAAGAG-3'
Protein context (NP_996816.3, residues 4531-4551): APSGMEPPKL[Gln4541Pro]ARGPQEILVN

ClinVar aggregate classification (germline): Conflicting classifications of pathogenicity. Review status: criteria provided, conflicting classifications (1 of 4 stars). 4 submissions from 4 submitters: Uncertain significance (3); Likely benign (1). Last evaluated 2025-02-13.

Conditions:
Inborn genetic diseases. Identifiers: MedGen C0950123, MeSH D030342.

Allele frequency attached by ClinVar (database versions not stated): gnomAD exomes 0.00001 and 0.00002; TOPMed 0.00001; ExAC 0.00002; ESP Exome Variant Server 0.00008.
gnomAD v4.1: 12 of 1,613,914 alleles (0.00074%); highest among the groups gnomAD compares: South Asian, 0.0011%; no homozygotes.

Submissions (4):

Ambry Genetics
Classification: Uncertain significance for Inborn genetic diseases. Last evaluated: 2025-02-13. Review status: criteria provided, single submitter. Criteria: Ambry Variant Classification Scheme 2023. Collection method: clinical testing. Allele origin: germline.

Blueprint Genetics
Classification: Uncertain significance. Last evaluated: 2024-07-02. Review status: criteria provided, single submitter. Criteria: ACMG Guidelines, 2015. Collection method: clinical testing. Allele origin: germline.

Labcorp Genetics (formerly Invitae), Labcorp
Classification: Uncertain significance. Last evaluated: 2023-12-28. Review status: criteria provided, single submitter. Criteria: Invitae Variant Classification Sherloc (09022015). Collection method: clinical testing. Allele origin: germline.
Comment: This sequence change replaces glutamine, which is neutral and polar, with proline, which is neutral and non-polar, at codon 4541 of the USH2A protein (p.Gln4541Pro). This variant is present in population databases (rs143032902, gnomAD 0.003%). This variant has not been reported in the literature in individuals affected with USH2A-related conditions. ClinVar contains an entry for this variant (Variation ID: 48420). Advanced modeling of protein sequence and biophysical properties (such as structural, functional, and spatial information, amino acid conservation, physicochemical variation, residue mobility, and thermodynamic stability) performed at Invitae indicates that this missense variant is not expected to disrupt USH2A protein function with a negative predictive value of 95%. In summary, the available evidence is currently insufficient to determine the role of this variant in disease. Therefore, it has been classified as a Variant of Uncertain Significance.

Laboratory for Molecular Medicine, Mass General Brigham Personalized Medicine
Classification: Likely benign. Last evaluated: 2011-03-02. Review status: criteria provided, single submitter. Criteria: LMM Criteria. Collection method: clinical testing. Allele origin: germline. Observed: 2 variant alleles.
Comment: The Gln4541Pro variant in USH2A has not been reported in the literature nor prev iously identified by our laboratory. However, this residue is not highly conserv ed in mammals and computational analyses (PolyPhen2, SIFT, AlignGVGD) do not sug gest a high likelihood of impact to the protein. In summary , these observations suggest that this variant is likely benign.